The following is an entry in ClinVar:

NM_014921.5(ADGRL1):c.3367G>A (p.Gly1123Arg)

Genes: ADGRL1 (adhesion G protein-coupled receptor L1; minus strand), ADGRL1-AS1 (ADGRL1 antisense RNA 1; plus strand). Cytogenetic location: 19p13.12.
Variant type: single nucleotide variant.
Coding change: c.3367G>A on transcript NM_014921.5 (MANE Select); coding-DNA position 3367, G replaced by A.
Protein change: p.Gly1123Arg; replaces glycine 1123 with arginine.
Molecular consequence: missense variant.
Genome position (GRCh38, 1-based): chr19:14,152,840, C>T on the plus strand (G>A on the coding strand, the complement: ADGRL1 is on the minus strand). VCF-style: chr19-14152840-C-T. GRCh37 (hg19) VCF-style: chr19-14263652-C-T.
Other names: c.3382G>A, p.Gly1128Arg (NM_001008701.3); short protein forms G1123R, G1128R.
Identifiers: ClinVar variation 3901064 (VCV003901064.1).

ClinVar aggregate classification (germline): Uncertain significance (1 of 4 stars; one submission).

Conditions:
Developmental delay, behavioral abnormalities, and neuropsychiatric disorders (DEDBANP). Identifiers: MedGen C5774224, MONDO:0859292, OMIM 620065.

gnomAD v4.1: 2 of 1,614,148 alleles (0.00012%); highest among the groups gnomAD compares: African/African-American, 0.0013%; no homozygotes.

Submission:

Laboratorio de Genetica e Diagnostico Molecular, Hospital Israelita Albert Einstein
Classification: Uncertain significance for Developmental delay, behavioral abnormalities, and neuropsychiatric disorders. Last evaluated: 2025-04-17. Review status: criteria provided, single submitter. Criteria: ACMG Guidelines, 2015. Collection method: clinical testing. Allele origin: germline. Affected: yes.
Comment: ACMG classification criteria: PM2 supporting, PP2 supporting, BP4 supporting